The following is an entry in ClinVar:

NM_004525.3(LRP2):c.5684G>T (p.Gly1895Val)

Gene: LRP2 (LDL receptor related protein 2; minus strand). Cytogenetic location: 2q31.1.
Variant type: single nucleotide variant.
Coding change: c.5684G>T on transcript NM_004525.3 (MANE Select); coding-DNA position 5684, G replaced by T.
Protein change: p.Gly1895Val; replaces glycine 1895 with valine.
Molecular consequence: missense variant.
Genome position (GRCh38, 1-based): chr2:169,216,395, C>A on the plus strand (G>T on the coding strand, the complement: LRP2 is on the minus strand). VCF-style: chr2-169216395-C-A. GRCh37 (hg19) VCF-style: chr2-170072905-C-A.
Other names: short protein forms G1895V.
Identifiers: ClinVar variation 1032219 (VCV001032219.1), dbSNP rs1688797738, ClinGen allele CA349136121.

ClinVar aggregate classification (germline): Uncertain significance (1 of 4 stars; one submission).

Conditions:
Donnai-Barrow syndrome. Also called: FACIOOCULOACOUSTICORENAL SYNDROME; DBS/FOAR SYNDROME. Identifiers: Orphanet 2143, MedGen C1857277, MONDO:0009104, OMIM 222448.

Allele frequency attached by ClinVar (database versions not stated): gnomAD exomes below 0.00001.
gnomAD v4.1: 1 of 1,613,580 alleles (0.000062%); highest among the groups gnomAD compares: South Asian, 0.0011%; no homozygotes.

Submission:

Baylor Genetics
Classification: Uncertain significance for Donnai-Barrow syndrome. Last evaluated: 2018-08-30. Review status: criteria provided, single submitter. Criteria: ACMG Guidelines, 2015. Collection method: clinical testing. Allele origin: paternal. Affected: yes.
Comment: This variant was determined to be of uncertain significance according to ACMG Guidelines, 2015 [PMID:25741868].